The following is an entry in ClinVar:

NM_001903.5(CTNNA1):c.1738T>C (p.Ser580Pro)

Gene: CTNNA1 (catenin alpha 1; plus strand). Cytogenetic location: 5q31.2.
Variant type: single nucleotide variant.
Coding change: c.1738T>C on transcript NM_001903.5 (MANE Select); coding-DNA position 1738, T replaced by C.
Protein change: p.Ser580Pro; replaces serine 580 with proline.
Molecular consequence: missense variant.
Genome position (GRCh38, 1-based): chr5:138,924,701, T>C. VCF-style: chr5-138924701-T-C. GRCh37 (hg19) VCF-style: chr5-138260390-T-C.
Other names: c.628T>C, p.Ser210Pro (NM_001323999.1, NM_001324000.1, NM_001324001.1 and 17 more transcripts); c.289T>C, p.Ser97Pro (NM_001324006.1, NM_001324007.1, NM_001324008.1 and 2 more transcripts); c.535T>C, p.Ser179Pro (NM_001324011.1); c.385T>C, p.Ser129Pro (NM_001324012.1, NM_001324013.1); c.1738T>C, p.Ser580Pro (NM_001290307.3, NM_001323982.2, NM_001323983.1 and 2 more transcripts); c.1429T>C, p.Ser477Pro (NM_001290309.3); c.1369T>C, p.Ser457Pro (NM_001290310.3); c.1645T>C, p.Ser549Pro (NM_001323986.2); short protein forms S549P, S580P, S129P, S210P, S179P, S457P, S477P, S97P.
Identifiers: ClinVar variation 2307111 (VCV002307111.5), dbSNP rs2533714333, ClinGen allele CA361132086.

ClinVar aggregate classification (germline): Uncertain significance. Review status: criteria provided, multiple submitters, no conflicts (2 of 4 stars). 2 submissions from 2 submitters: Uncertain significance (2). Last evaluated 2023-04-06.

Conditions:
Hereditary cancer-predisposing syndrome. Also called: Hereditary Cancer Syndrome; Hereditary neoplastic syndrome; Neoplastic Syndromes, Hereditary; Tumor predisposition. Identifiers: Orphanet 140162, MedGen C0027672, MeSH D009386, MONDO:0015356.

Allele frequency attached by ClinVar (database versions not stated): gnomAD exomes below 0.00001.
gnomAD v4.1: 2 of 1,574,380 alleles (0.00013%); highest among the groups gnomAD compares: East Asian, 0.0023%; no homozygotes.

Submissions (2):

Labcorp Genetics (formerly Invitae), Labcorp
Classification: Uncertain significance. Last evaluated: 2023-04-06. Review status: criteria provided, single submitter. Criteria: Invitae Variant Classification Sherloc (09022015). Collection method: clinical testing. Allele origin: germline.
Comment: This sequence change replaces serine, which is neutral and polar, with proline, which is neutral and non-polar, at codon 580 of the CTNNA1 protein (p.Ser580Pro). This variant is not present in population databases (gnomAD no frequency). This variant has not been reported in the literature in individuals affected with CTNNA1-related conditions. ClinVar contains an entry for this variant (Variation ID: 2307111). Advanced modeling of protein sequence and biophysical properties (such as structural, functional, and spatial information, amino acid conservation, physicochemical variation, residue mobility, and thermodynamic stability) performed at Invitae indicates that this missense variant is not expected to disrupt CTNNA1 protein function. In summary, the available evidence is currently insufficient to determine the role of this variant in disease. Therefore, it has been classified as a Variant of Uncertain Significance.

Ambry Genetics
Classification: Uncertain significance for Hereditary cancer-predisposing syndrome. Last evaluated: 2022-08-16. Review status: criteria provided, single submitter. Criteria: Ambry Variant Classification Scheme 2023. Collection method: clinical testing. Allele origin: germline.